The following is an entry in ClinVar:

NC_000001.10:g.(?_94526073)_(94528893_?)del

Gene: ABCA4 (ATP binding cassette subfamily A member 4; minus strand). Cytogenetic location: 1p22.1.
Variant type: Deletion.
Identifiers: ClinVar variation 1457460 (VCV001457460.6).

ClinVar aggregate classification (germline): Pathogenic (1 of 4 stars; one submission).

Submission:

Labcorp Genetics (formerly Invitae), Labcorp
Classification: Pathogenic. Last evaluated: 2023-02-06. Review status: criteria provided, single submitter. Criteria: Invitae Variant Classification Sherloc (09022015). Collection method: clinical testing. Allele origin: germline.
Comment: This variant is a gross deletion of the genomic region encompassing exon(s) 12-14 of the ABCA4 gene. This variant would be expected to be in-frame, preserving the integrity of the reading frame. A similar copy number variant has been observed in individual(s) with clinical features of ABCA4-related conditions (Invitae). The region of the ABCA4 gene that includes exon(s) 13 has been determined to be clinically significant (PMID: 26720470; Invitae). Therefore, deletions that encompass that region are likely to be disease-causing. For these reasons, this variant has been classified as Pathogenic.

Literature cited by the submitters: PubMed 26720470.